The following is an entry in ClinVar:

ClinVar aggregate classification (germline): Uncertain significance (1 of 4 stars; one submission).

Submission:

GeneDx
Classification: Uncertain significance. Last evaluated: 2024-08-24. Review status: criteria provided, single submitter. Criteria: GeneDx Variant Classification Process June 2021. Collection method: clinical testing. Allele origin: germline. Affected: yes.
Comment: Nonsense variant predicted to result in protein truncation as the last 279 amino acids are lost, although loss-of-function variants have not been reported downstream of this position in the protein; Not observed at significant frequency in large population cohorts (gnomAD); Has not been previously published as pathogenic or benign to our knowledge

NM_003468.4(FZD5):c.921C>G (p.Tyr307Ter)

Gene: FZD5 (frizzled class receptor 5; minus strand). Cytogenetic location: 2q33.3.
Variant type: single nucleotide variant.
Coding change: c.921C>G on transcript NM_003468.4 (MANE Select); coding-DNA position 921, C replaced by G.
Protein change: p.Tyr307Ter; replaces tyrosine 307 with a stop codon.
Molecular consequence: nonsense.
Genome position (GRCh38, 1-based): chr2:207,767,819, G>C on the plus strand (C>G on the coding strand, the complement: FZD5 is on the minus strand). VCF-style: chr2-207767819-G-C. GRCh37 (hg19) VCF-style: chr2-208632543-G-C.
Other names: short protein forms Y307*.
Identifiers: ClinVar variation 3764307 (VCV003764307.1).